The following is an entry in ClinVar:

NM_030662.4(MAP2K2):c.583G>C (p.Val195Leu)

Gene: MAP2K2 (mitogen-activated protein kinase kinase 2; minus strand). Cytogenetic location: 19p13.3.
Variant type: single nucleotide variant.
Coding change: c.583G>C on transcript NM_030662.4 (MANE Select); coding-DNA position 583, G replaced by C.
Protein change: p.Val195Leu; replaces valine 195 with leucine.
Molecular consequence: missense variant.
Genome position (GRCh38, 1-based): chr19:4,101,141, C>G on the plus strand (G>C on the coding strand, the complement: MAP2K2 is on the minus strand). VCF-style: chr19-4101141-C-G. GRCh37 (hg19) VCF-style: chr19-4101139-C-G.
Other names: c.583G>C, p.Val195Leu (NM_001440688.1); c.13G>C, p.Val5Leu (NM_001440689.1); short protein forms V195L, V5L.
Identifiers: ClinVar variation 4714461 (VCV004714461.1).

ClinVar aggregate classification (germline): Uncertain significance (1 of 4 stars; one submission).

Conditions:
RASopathy. Also called: Noonan spectrum disorder; rasopathies. Identifiers: Orphanet 536391, MedGen C5555857, MONDO:0021060.

Submission:

Labcorp Genetics (formerly Invitae), Labcorp
Classification: Uncertain significance for RASopathy. Last evaluated: 2025-03-05. Review status: criteria provided, single submitter. Criteria: Invitae Variant Classification Sherloc (09022015). Collection method: clinical testing. Allele origin: germline.
Comment: This sequence change replaces valine, which is neutral and non-polar, with leucine, which is neutral and non-polar, at codon 195 of the MAP2K2 protein (p.Val195Leu). This variant is not present in population databases (gnomAD no frequency). This variant has not been reported in the literature in individuals affected with MAP2K2-related conditions. An algorithm developed to predict the effect of missense changes on protein structure and function (PolyPhen-2) suggests that this variant is likely to be disruptive. In summary, the available evidence is currently insufficient to determine the role of this variant in disease. Therefore, it has been classified as a Variant of Uncertain Significance.